The following is an entry in ClinVar:

NM_152618.3(BBS12):c.1768T>C (p.Phe590Leu)

Gene: BBS12 (Bardet-Biedl syndrome 12; plus strand). Cytogenetic location: 4q27.
Variant type: single nucleotide variant.
Coding change: c.1768T>C on transcript NM_152618.3 (MANE Select); coding-DNA position 1768, T replaced by C.
Protein change: p.Phe590Leu; replaces phenylalanine 590 with leucine.
Molecular consequence: missense variant.
Genome position (GRCh38, 1-based): chr4:122,743,660, T>C. VCF-style: chr4-122743660-T-C. GRCh37 (hg19) VCF-style: chr4-123664815-T-C.
Other names: c.1768T>C (NM_152618.2); c.1768T>C, p.Phe590Leu (NM_001178007.2); short protein forms F590L.
Identifiers: ClinVar variation 1463650 (VCV001463650.9), dbSNP rs767882942, ClinGen allele CA3069503.

ClinVar aggregate classification (germline): Conflicting classifications of pathogenicity. Review status: criteria provided, conflicting classifications (1 of 4 stars). 2 submissions from 2 submitters: Uncertain significance (1); Likely benign (1). Last evaluated 2024-04-26.

Conditions:
Bardet-Biedl syndrome (BBS). Identifiers: Orphanet 110, MedGen C0752166, MONDO:0015229.
Inborn genetic diseases. Identifiers: MedGen C0950123, MeSH D030342.

Allele frequency attached by ClinVar (database versions not stated): gnomAD exomes below 0.00001 and 0.00001; ExAC 0.00001.
gnomAD v4.1: 2 of 1,614,178 alleles (0.00012%); highest among the groups gnomAD compares: Admixed American, 0.0033%; no homozygotes.

Submissions (2):

Ambry Genetics
Classification: Likely benign for Inborn genetic diseases. Last evaluated: 2024-04-26. Review status: criteria provided, single submitter. Criteria: Ambry Variant Classification Scheme 2023. Collection method: clinical testing. Allele origin: germline.

Labcorp Genetics (formerly Invitae), Labcorp
Classification: Uncertain significance for Bardet-Biedl syndrome. Last evaluated: 2022-10-24. Review status: criteria provided, single submitter. Criteria: Invitae Variant Classification Sherloc (09022015). Collection method: clinical testing. Allele origin: germline.
Comment: This sequence change replaces phenylalanine, which is neutral and non-polar, with leucine, which is neutral and non-polar, at codon 590 of the BBS12 protein (p.Phe590Leu). This variant is present in population databases (rs767882942, gnomAD 0.006%). This variant has not been reported in the literature in individuals affected with BBS12-related conditions. ClinVar contains an entry for this variant (Variation ID: 1463650). Advanced modeling of protein sequence and biophysical properties (such as structural, functional, and spatial information, amino acid conservation, physicochemical variation, residue mobility, and thermodynamic stability) performed at Invitae indicates that this missense variant is not expected to disrupt BBS12 protein function. In summary, the available evidence is currently insufficient to determine the role of this variant in disease. Therefore, it has been classified as a Variant of Uncertain Significance.